The following is an entry in ClinVar:

ClinVar aggregate classification (germline): Uncertain significance (1 of 4 stars; one submission).

Conditions:
Arrhythmogenic cardiomyopathy with wooly hair and keratoderma. Also called: PALMOPLANTAR KERATODERMA WITH LEFT VENTRICULAR CARDIOMYOPATHY AND WOOLLY HAIR; Carvajal syndrome; Dilated cardiomyopathy with woolly hair and keratoderma; Arrhythmogenic cardiomyopathy with woolly hair and keratoderma. Identifiers: Orphanet 65282, MedGen C1854063, MONDO:0011581, OMIM 605676.
Arrhythmogenic right ventricular dysplasia 8 (ARVD8). Also called: Arrhythmogenic Right Ventricular Dysplasia/Cardiomyopathy 8; ARRHYTHMOGENIC RIGHT VENTRICULAR CARDIOMYOPATHY 8; ARRHYTHMOGENIC RIGHT VENTRICULAR DYSPLASIA, FAMILIAL, 8. Identifiers: MedGen C1843896, MONDO:0011831, OMIM 607450.

gnomAD v4.1: 5 of 1,614,134 alleles (0.00031%); highest among the groups gnomAD compares: Non-Finnish European, 0.00042%; no homozygotes.

Submission:

Labcorp Genetics (formerly Invitae), Labcorp
Classification: Uncertain significance for Arrhythmogenic cardiomyopathy with wooly hair and keratoderma; Arrhythmogenic right ventricular dysplasia 8. Last evaluated: 2024-07-16. Review status: criteria provided, single submitter. Criteria: Invitae Variant Classification Sherloc (09022015). Collection method: clinical testing. Allele origin: germline.
Comment: This sequence change replaces arginine, which is basic and polar, with threonine, which is neutral and polar, at codon 1890 of the DSP protein (p.Arg1890Thr). This variant is present in population databases (rs765366591, gnomAD 0.0009%). This variant has not been reported in the literature in individuals affected with DSP-related conditions. An algorithm developed to predict the effect of missense changes on protein structure and function (PolyPhen-2) suggests that this variant is likely to be disruptive. In summary, the available evidence is currently insufficient to determine the role of this variant in disease. Therefore, it has been classified as a Variant of Uncertain Significance.

NM_004415.4(DSP):c.5669G>C (p.Arg1890Thr)

Gene: DSP (desmoplakin; plus strand). Cytogenetic location: 6p24.3.
Variant type: single nucleotide variant.
Coding change: c.5669G>C on transcript NM_004415.4 (MANE Select); coding-DNA position 5669, G replaced by C.
Protein change: p.Arg1890Thr; replaces arginine 1890 with threonine.
Molecular consequence: missense variant.
Genome position (GRCh38, 1-based): chr6:7,582,931, G>C. VCF-style: chr6-7582931-G-C. GRCh37 (hg19) VCF-style: chr6-7583164-G-C.
Other names: c.3872G>C, p.Arg1291Thr (NM_001008844.3); c.4340G>C, p.Arg1447Thr (NM_001319034.2); short protein forms R1291T, R1447T, R1890T.
Identifiers: ClinVar variation 3763799 (VCV003763799.2).
Genomic context (GRCh38, chr6:7,582,931, plus strand): 5'-AATATTCCCGCAAGGAGGAGGCTATTAGGAAGATAGAATCGGAAAGAGAAAAGAGTGAGA[G>C]AGAGAAGAACAGTCTTAGGAGTGAGATCGAAAGACTCCAAGCAGAGATCAAGAGAATTGA-3'
Protein context (NP_004406.2, residues 1880-1900): KIESEREKSE[Arg1890Thr]EKNSLRSEIE